The following is an entry in ClinVar:

ClinVar aggregate classification (germline): Uncertain significance (1 of 4 stars; one submission).

Submission:

Labcorp Genetics (formerly Invitae), Labcorp
Classification: Uncertain significance. Last evaluated: 2024-09-30. Review status: criteria provided, single submitter. Criteria: Invitae Variant Classification Sherloc (09022015). Collection method: clinical testing. Allele origin: germline.
Comment: This sequence change creates a premature translational stop signal (p.Ile657Leufs*20) in the FAM186B gene. It is expected to result in an absent or disrupted protein product. However, the current clinical and genetic evidence is not sufficient to establish whether loss-of-function variants in FAM186B cause disease. This variant is present in population databases (rs144816241, gnomAD 0.1%), and has an allele count higher than expected for a pathogenic variant. This variant has not been reported in the literature in individuals affected with FAM186B-related conditions. In summary, the available evidence is currently insufficient to determine the role of this variant in disease. Therefore, it has been classified as a Variant of Uncertain Significance.

NM_032130.3(FAM186B):c.1969del (p.Ile657fs)

Gene: FAM186B (family with sequence similarity 186 member B; minus strand). Cytogenetic location: 12q13.12.
Variant type: Deletion.
Coding change: c.1969del on transcript NM_032130.3 (MANE Select); coding-DNA position 1969, one base deleted (A; older notation c.1969delA).
Protein change: p.Ile657fs; shifts the reading frame from isoleucine 657.
Molecular consequence: frameshift variant. On other transcripts: non-coding transcript variant (1).
Genome position (GRCh38, 1-based): chr12:49,599,671, T deleted on the plus strand (A on the coding strand, the reverse complement: FAM186B is on the minus strand). VCF-style (leftmost placement, unchanged base first): chr12-49599670-AT-A. GRCh37 (hg19) VCF-style: chr12-49993453-AT-A.
Other names: short protein forms I657fs.
Identifiers: ClinVar variation 3708384 (VCV003708384.2).
Genomic context (GRCh38, chr12:49,599,670, plus strand): 5'-CTCAGGAGCTGCAGGTTCTTCCTCTGGGCCTCCATGTCCATGTGGTACACCTTCTTCTTA[AT>A]ATTTGCAGGGGATATCTGCAAAGAGGGCCAGGTCAGCCTTCGGATGGATGTCCCAGTGAC-3'